The following is an entry in ClinVar:

ClinVar aggregate classification (germline): Likely benign. Review status: criteria provided, single submitter (1 of 4 stars). 2 submissions from 2 submitters: Likely benign (1). 1 of the submissions does not count toward it. Last evaluated 2025-12-28.

Conditions:
Amelocerebrohypohidrotic syndrome (KTZS). Also called: KOHLSCHUTTER SYNDROME; Kohlschutter's syndrome; EPILEPSY AND YELLOW TEETH; EPILEPSY, DEMENTIA, AND AMELOGENESIS IMPERFECTA. Identifiers: Orphanet 1946, MedGen C0406740, MONDO:0009185, OMIM 226750.
ROGDI-related disorder. Also called: ROGDI-related condition.

Allele frequency attached by ClinVar (database versions not stated): ExAC 0.00007.

Submissions (2):

Labcorp Genetics (formerly Invitae), Labcorp
Classification: Likely benign for Amelocerebrohypohidrotic syndrome. Last evaluated: 2025-12-28. Review status: criteria provided, single submitter. Criteria: Invitae Variant Classification Sherloc (09022015). Collection method: clinical testing. Allele origin: germline.

PreventionGenetics, part of Exact Sciences
Classification: Likely benign for ROGDI-related condition. Last evaluated: 2020-06-29. Review status: no assertion criteria provided. Collection method: clinical testing. Allele origin: germline. Not counted in ClinVar's aggregate classification.
Comment: This variant is classified as likely benign based on ACMG/AMP sequence variant interpretation guidelines (Richards et al. 2015 PMID: 25741868, with internal and published modifications).

NM_024589.3(ROGDI):c.558C>T (p.Ser186=)

Gene: ROGDI (rogdi atypical leucine zipper; minus strand). Cytogenetic location: 16p13.3.
Variant type: single nucleotide variant.
Coding change: c.558C>T on transcript NM_024589.3 (MANE Select); coding-DNA position 558, C replaced by T.
Protein change: p.Ser186=; no amino-acid change (serine 186 retained).
Molecular consequence: synonymous variant. On other transcripts: non-coding transcript variant (1).
Genome position (GRCh38, 1-based): chr16:4,798,158, G>A on the plus strand (C>T on the coding strand, the complement: ROGDI is on the minus strand). VCF-style: chr16-4798158-G-A. GRCh37 (hg19) VCF-style: chr16-4848159-G-A.
Other names: c.558C>T (NM_024589.2).
Identifiers: ClinVar variation 1099612 (VCV001099612.11), dbSNP rs575384175, ClinGen allele CA7882639.
Genomic context (GRCh38, chr16:4,798,158, plus strand): 5'-CAGCTGGTACACCGTGAGGCAGAGCTTGTTGAGGTTGATGTAGACGTTGACCAGCAGGTC[G>A]GACGGCAGGGCAGGGGCGAACATCCGCTGCGGGAGGCAGGTGGGATGAGGCCCTCGCAAG-3'
Protein context (NP_078865.1, residues 176-196): LTRMFAPALP[Ser186=]DLLVNVYINL